The following is an entry in ClinVar:

ClinVar aggregate classification (germline): Pathogenic (1 of 4 stars; one submission).

Submission:

Labcorp Genetics (formerly Invitae), Labcorp
Classification: Pathogenic. Last evaluated: 2022-08-31. Review status: criteria provided, single submitter. Criteria: Invitae Variant Classification Sherloc (09022015). Collection method: clinical testing. Allele origin: germline.
Comment: This sequence change creates a premature translational stop signal (p.Gln1743Lysfs*17) in the CACNA1F gene. It is expected to result in an absent or disrupted protein product. Loss-of-function variants in CACNA1F are known to be pathogenic (PMID: 9662399, 11281458, 17525176, 22194652, 24124559, 26992781). This variant is not present in population databases (gnomAD no frequency). For these reasons, this variant has been classified as Pathogenic. ClinVar contains an entry for this variant (Variation ID: 1419493). This variant has not been reported in the literature in individuals affected with CACNA1F-related conditions.

Literature cited by the submitters: PubMed 9662399; PubMed 11281458; PubMed 17525176; PubMed 22194652; PubMed 24124559; PubMed 26992781.

NM_001256789.3(CACNA1F):c.5187del (p.Gln1732fs)

Gene: CACNA1F (calcium voltage-gated channel subunit alpha1 F; minus strand). Cytogenetic location: Xp11.23.
Variant type: Deletion.
Coding change: c.5187del on transcript NM_001256789.3 (MANE Select); coding-DNA position 5187, one base deleted (C; older notation c.5187delC).
Protein change: p.Gln1732fs; shifts the reading frame from glutamine 1732.
Molecular consequence: frameshift variant.
Genome position (GRCh38, 1-based): chrX:49,207,049, G deleted on the plus strand (C on the coding strand, the reverse complement: CACNA1F is on the minus strand); the first of 2 consecutive G bases (chrX:49,207,049-49,207,050); deleting either gives the same sequence. VCF-style (leftmost placement, unchanged base first): chrX-49207048-TG-T. GRCh37 (hg19) VCF-style: chrX-49063509-TG-T.
Other names: c.5025del, p.Gln1678fs (NM_001256790.3); c.5220del, p.Gln1743fs (NM_005183.4); short protein forms Q1743fs, Q1678fs, Q1732fs.
Identifiers: ClinVar variation 1419493 (VCV001419493.6), dbSNP rs2147891252, ClinGen allele CA2573158891.